The following is an entry in ClinVar:

NM_001376.5(DYNC1H1):c.2190_2195dup (p.Val732_Leu733insAsnVal)

Gene: DYNC1H1 (dynein cytoplasmic 1 heavy chain 1; plus strand). Cytogenetic location: 14q32.31.
Variant type: Duplication.
Coding change: c.2190_2195dup on transcript NM_001376.5 (MANE Select); coding-DNA positions 2190 to 2195, 6 bases duplicated (AAATGT; older notation c.2190_2195dupAAATGT).
Protein change: p.Val732_Leu733insAsnVal.
Molecular consequence: inframe insertion.
Genome position (GRCh38, 1-based): chr14:101,986,415-101,986,420, AAATGT duplicated. VCF-style (leftmost placement, unchanged base first): chr14-101986414-G-GAAATGT. GRCh37 (hg19) VCF-style: chr14-102452751-G-GAAATGT.
Identifiers: ClinVar variation 4750473 (VCV004750473.1).

ClinVar aggregate classification (germline): Uncertain significance (1 of 4 stars; one submission).

Conditions:
Charcot-Marie-Tooth disease axonal type 2O. Also called: CHARCOT-MARIE-TOOTH NEUROPATHY, AXONAL, TYPE 2O; CHARCOT-MARIE-TOOTH DISEASE, AXONAL, AUTOSOMAL DOMINANT, TYPE 2O; Charcot-Marie-Tooth Neuropathy Type 2O; Charcot-Marie-Tooth disease, axonal, type 20. Identifiers: Orphanet 284232, MedGen C3280220, MONDO:0013644, OMIM 614228.

Submission:

Labcorp Genetics (formerly Invitae), Labcorp
Classification: Uncertain significance for Charcot-Marie-Tooth disease axonal type 2O. Last evaluated: 2026-01-26. Review status: criteria provided, single submitter. Criteria: Invitae Variant Classification Sherloc (09022015). Collection method: clinical testing. Allele origin: germline.
Comment: This variant, c.2190_2195dup, results in the insertion of 2 amino acid(s) of the DYNC1H1 protein (p.Asn731_Val732dup), but otherwise preserves the integrity of the reading frame. This variant is not present in population databases (gnomAD no frequency). This variant has not been reported in the literature in individuals affected with DYNC1H1-related conditions. In summary, the available evidence is currently insufficient to determine the role of this variant in disease. Therefore, it has been classified as a Variant of Uncertain Significance.